The following is an entry in ClinVar:

ClinVar aggregate classification (germline): Uncertain significance. Review status: criteria provided, multiple submitters, no conflicts (2 of 4 stars). 3 submissions from 3 submitters: Uncertain significance (3). Last evaluated 2025-03-17.

Conditions:
Inborn genetic diseases. Identifiers: MedGen C0950123, MeSH D030342.

Allele frequency attached by ClinVar (database versions not stated): TOPMed 0.00004; ExAC 0.00008; gnomAD exomes 0.00008.
gnomAD v4.1: 104 of 1,602,486 alleles (0.0065%); highest among the groups gnomAD compares: Non-Finnish European, 0.0081%; no homozygotes.

Submissions (3):

Ambry Genetics
Classification: Uncertain significance for Inborn genetic diseases. Last evaluated: 2025-03-17. Review status: criteria provided, single submitter. Criteria: Ambry Variant Classification Scheme 2023. Collection method: clinical testing. Allele origin: germline.

Blueprint Genetics
Classification: Uncertain significance. Last evaluated: 2024-04-24. Review status: criteria provided, single submitter. Criteria: ACMG Guidelines, 2015. Collection method: clinical testing. Allele origin: germline.

Labcorp Genetics (formerly Invitae), Labcorp
Classification: Uncertain significance. Last evaluated: 2022-09-27. Review status: criteria provided, single submitter. Criteria: Invitae Variant Classification Sherloc (09022015). Collection method: clinical testing. Allele origin: germline.
Comment: This sequence change replaces valine, which is neutral and non-polar, with methionine, which is neutral and non-polar, at codon 984 of the LAMC3 protein (p.Val984Met). This variant is present in population databases (rs527388604, gnomAD 0.01%). This variant has not been reported in the literature in individuals affected with LAMC3-related conditions. ClinVar contains an entry for this variant (Variation ID: 1044533). Algorithms developed to predict the effect of missense changes on protein structure and function are either unavailable or do not agree on the potential impact of this missense change (SIFT: "Tolerated"; PolyPhen-2: "Possibly Damaging"; Align-GVGD: "Class C0"). In summary, the available evidence is currently insufficient to determine the role of this variant in disease. Therefore, it has been classified as a Variant of Uncertain Significance.

NM_006059.4(LAMC3):c.2950G>A (p.Val984Met)

Gene: LAMC3 (laminin subunit gamma 3; plus strand). Cytogenetic location: 9q34.12.
Variant type: single nucleotide variant.
Coding change: c.2950G>A on transcript NM_006059.4 (MANE Select); coding-DNA position 2950, G replaced by A.
Protein change: p.Val984Met; replaces valine 984 with methionine.
Molecular consequence: missense variant.
Genome position (GRCh38, 1-based): chr9:131,069,731, G>A. VCF-style: chr9-131069731-G-A. GRCh37 (hg19) VCF-style: chr9-133945118-G-A.
Other names: c.2950G>A (NM_006059.3); short protein forms V984M.
Identifiers: ClinVar variation 1044533 (VCV001044533.6), dbSNP rs527388604, ClinGen allele CA5287629.